The following is an entry in ClinVar:

NM_170784.3(MKKS):c.-618C>T

Genes: MKKS (MKKS centrosomal shuttling protein; minus strand), LOC128706665 (uncharacterized LOC128706665; minus strand), LOC128706666 (uncharacterized LOC128706666; minus strand). Cytogenetic location: 20p12.2.
Variant type: single nucleotide variant.
Coding change: c.-618C>T on transcript NM_170784.3 (MANE Select); 618 bases upstream of the start codon, C replaced by T.
Molecular consequence: 5 prime UTR variant. On other transcripts: non-coding transcript variant (1).
Genome position (GRCh38, 1-based): chr20:10,420,728, G>A on the plus strand (C>T on the coding strand, the complement: MKKS is on the minus strand). VCF-style: chr20-10420728-G-A. GRCh37 (hg19) VCF-style: chr20-10401376-G-A.
Other names: c.-618C>T (NM_018848.3).
Identifiers: ClinVar variation 897557 (VCV000897557.4), dbSNP rs146473397, ClinGen allele CA9763779.

ClinVar aggregate classification (germline): Benign. Review status: criteria provided, single submitter (1 of 4 stars). 2 submissions from 1 submitter: Benign (2). Last evaluated 2017-04-27.

Conditions:
Bardet-Biedl syndrome 6 (BBS6). Identifiers: Orphanet 110, MedGen C1858054, MONDO:0011523, OMIM 605231.
McKusick-Kaufman syndrome (MKKS). Also called: HYDROMETROCOLPOS SYNDROME; HYDROMETROCOLPOS, POSTAXIAL POLYDACTYLY, AND CONGENITAL HEART MALFORMATION. Identifiers: Orphanet 2473, MedGen C0948368, MONDO:0009367, OMIM 236700.

Allele frequency attached by ClinVar (database versions not stated): ExAC below 0.00001; gnomAD 0.00078 and 0.00123; TOPMed 0.00162; 1000 Genomes Project 0.00779; 1000 Genomes Project 30x 0.00843.

Submissions (2):

Illumina Laboratory Services, Illumina
Classification: Benign for McKusick-Kaufman syndrome. Last evaluated: 2017-04-27. Review status: criteria provided, single submitter. Criteria: ICSL Variant Classification Criteria 13 December 2019. Collection method: clinical testing. Allele origin: germline.
Comment: This variant was observed as part of a predisposition screen in an ostensibly healthy population. A literature search was performed for the gene, cDNA change, and amino acid change (where applicable). No publications were found based on this search. Allele frequency data from public databases was too high to be consistent with this variant causing disease. Therefore, this variant is classified as benign.

Illumina Laboratory Services, Illumina
Classification: Benign for Bardet-Biedl syndrome 6. Last evaluated: 2017-04-27. Review status: criteria provided, single submitter. Criteria: ICSL Variant Classification Criteria 13 December 2019. Collection method: clinical testing. Allele origin: germline.
Comment: the same text as in the submission from Illumina Laboratory Services, Illumina above.